The following is an entry in ClinVar:

ClinVar aggregate classification (germline): Benign/Likely benign. Review status: criteria provided, multiple submitters, no conflicts (2 of 4 stars). 7 submissions from 7 submitters: Benign (1); Likely benign (5). 1 of the submissions does not count toward it. Last evaluated 2026-01-25.

Conditions:
Hereditary cancer-predisposing syndrome. Also called: Neoplastic Syndromes, Hereditary; Hereditary neoplastic syndrome; Hereditary Cancer Syndrome; Tumor predisposition. Identifiers: Orphanet 140162, MedGen C0027672, MeSH D009386, MONDO:0015356.
POLD1-related polyposis and colorectal cancer syndrome (CRCS10). Also called: Colorectal cancer, susceptibility to, 10; Colorectal cancer 10; COLORECTAL CANCER, SUSCEPTIBILITY TO, ON CHROMOSOME 19q. Identifiers: Orphanet 220460, MedGen C2675481, MONDO:0012953, OMIM 612591.
Polymerase proofreading-related adenomatous polyposis. Also called: Polymerase proofreading associated polyposis; Polymerase proofreading–associated polyposis (PPAP). Identifiers: Orphanet 447877, MedGen C5202613, MONDO:0018653.
POLD1-related disorder. Also called: POLD1-related disorders; POLD1-related condition.

Allele frequency attached by ClinVar (database versions not stated): gnomAD 0.00001 and 0.00003; TOPMed 0.00005; ESP Exome Variant Server 0.00008.
gnomAD v4.1: 54 of 1,570,950 alleles (0.0034%); highest among the groups gnomAD compares: East Asian, 0.062%; no homozygotes.

Submissions (7):

Labcorp Genetics (formerly Invitae), Labcorp
Classification: Likely benign for POLD1-related polyposis and colorectal cancer syndrome. Last evaluated: 2026-01-25. Review status: criteria provided, single submitter. Criteria: Invitae Variant Classification Sherloc (09022015). Collection method: clinical testing. Allele origin: germline.

Department of Pathology and Laboratory Medicine, Sinai Health System
Classification: Likely benign for Polymerase proofreading-related adenomatous polyposis. Last evaluated: 2023-10-12. Review status: criteria provided, single submitter. Criteria: ACMG Guidelines, 2015. Collection method: clinical testing. Allele origin: germline. Affected: yes.

Blueprint Genetics
Classification: Likely benign. Last evaluated: 2023-06-07. Review status: criteria provided, single submitter. Criteria: ACMG Guidelines, 2015. Collection method: clinical testing. Allele origin: germline.

Sema4
Classification: Benign for Hereditary cancer-predisposing syndrome. Last evaluated: 2021-02-04. Review status: criteria provided, single submitter. Criteria: Sema4 Curation Guidelines. Collection method: curation. Allele origin: germline.

GeneDx
Classification: Likely benign. Last evaluated: 2019-01-02. Review status: criteria provided, single submitter. Criteria: GeneDx Variant Classification Process June 2021. Collection method: clinical testing. Allele origin: germline. Affected: yes.

Ambry Genetics
Classification: Likely benign for Hereditary cancer-predisposing syndrome. Last evaluated: 2015-12-31. Review status: criteria provided, single submitter. Criteria: Ambry Variant Classification Scheme 2023. Collection method: clinical testing. Allele origin: germline.

PreventionGenetics, part of Exact Sciences
Classification: Likely benign for POLD1-related condition. Last evaluated: 2024-03-20. Review status: no assertion criteria provided. Collection method: clinical testing. Allele origin: germline. Not counted in ClinVar's aggregate classification.
Comment: This variant is classified as likely benign based on ACMG/AMP sequence variant interpretation guidelines (Richards et al. 2015 PMID: 25741868, with internal and published modifications).

NM_002691.4(POLD1):c.2763C>T (p.Arg921=)

Gene: POLD1 (DNA polymerase delta 1, catalytic subunit; plus strand). Cytogenetic location: 19q13.33.
Variant type: single nucleotide variant.
Coding change: c.2763C>T on transcript NM_002691.4 (MANE Select); coding-DNA position 2763, C replaced by T.
Protein change: p.Arg921=; no amino-acid change (arginine 921 retained).
Molecular consequence: synonymous variant.
Genome position (GRCh38, 1-based): chr19:50,415,769, C>T. VCF-style: chr19-50415769-C-T. GRCh37 (hg19) VCF-style: chr19-50919026-C-T.
Other names: c.2841C>T, p.Arg947= (LRG_785t2, NM_001308632.1); c.2763C>T, p.Arg921= (LRG_785t1, NM_001256849.1).
Identifiers: ClinVar variation 383140 (VCV000383140.21), dbSNP rs139299266, ClinGen allele CA9596652.